The following is an entry in ClinVar:

ClinVar aggregate classification (germline): Uncertain significance (1 of 4 stars; one submission).

Allele frequency attached by ClinVar (database versions not stated): TOPMed below 0.00001; gnomAD 0.00001; gnomAD exomes 0.00001.
gnomAD v4.1: 14 of 1,586,096 alleles (0.00088%); highest among the groups gnomAD compares: Non-Finnish European, 0.0012%; no homozygotes.

Submission:

Labcorp Genetics (formerly Invitae), Labcorp
Classification: Uncertain significance. Last evaluated: 2022-06-08. Review status: criteria provided, single submitter. Criteria: Invitae Variant Classification Sherloc (09022015). Collection method: clinical testing. Allele origin: germline.
Comment: This sequence change replaces arginine, which is basic and polar, with tryptophan, which is neutral and slightly polar, at codon 6 of the ALDH3A2 protein (p.Arg6Trp). The frequency data for this variant in the population databases is considered unreliable, as metrics indicate poor data quality at this position in the gnomAD database. This variant has not been reported in the literature in individuals affected with ALDH3A2-related conditions. Advanced modeling of protein sequence and biophysical properties (such as structural, functional, and spatial information, amino acid conservation, physicochemical variation, residue mobility, and thermodynamic stability) performed at Invitae indicates that this missense variant is not expected to disrupt ALDH3A2 protein function. In summary, the available evidence is currently insufficient to determine the role of this variant in disease. Therefore, it has been classified as a Variant of Uncertain Significance.

NM_000382.3(ALDH3A2):c.16C>T (p.Arg6Trp)

Gene: ALDH3A2 (aldehyde dehydrogenase 3 family member A2; plus strand). Cytogenetic location: 17p11.2.
Variant type: single nucleotide variant.
Coding change: c.16C>T on transcript NM_000382.3 (MANE Select); coding-DNA position 16, C replaced by T.
Protein change: p.Arg6Trp; replaces arginine 6 with tryptophan.
Molecular consequence: missense variant. On other transcripts: 5 prime UTR variant (1).
Genome position (GRCh38, 1-based): chr17:19,648,987, C>T. VCF-style: chr17-19648987-C-T. GRCh37 (hg19) VCF-style: chr17-19552300-C-T.
Other names: c.16C>T, p.Arg6Trp (NM_001031806.2, NM_001369136.1, NM_001369137.2 and 3 more transcripts); c.-673C>T (NM_001369148.2); short protein forms R6W.
Identifiers: ClinVar variation 2422073 (VCV002422073.3), dbSNP rs1468417827, ClinGen allele CA398700406.